The following is an entry in ClinVar:

NM_001374828.1(ARID1B):c.6440C>G (p.Thr2147Arg)

Gene: ARID1B (AT-rich interaction domain 1B; plus strand). Cytogenetic location: 6q25.3.
Variant type: single nucleotide variant.
Coding change: c.6440C>G on transcript NM_001374828.1 (MANE Select); coding-DNA position 6440, C replaced by G.
Protein change: p.Thr2147Arg; replaces threonine 2147 with arginine.
Molecular consequence: missense variant.
Genome position (GRCh38, 1-based): chr6:157,207,212, C>G. VCF-style: chr6-157207212-C-G. GRCh37 (hg19) VCF-style: chr6-157528346-C-G.
Other names: c.6071C>G (NM_020732.3); c.3941C>G, p.Thr1314Arg (NM_001363725.2); c.6320C>G, p.Thr2107Arg (NM_001371656.1, NM_001374820.1); c.6281C>G, p.Thr2094Arg (NM_017519.3); short protein forms T1314R, T2094R, T2107R, T2147R.
Identifiers: ClinVar variation 3384432 (VCV003384432.2).

ClinVar aggregate classification (germline): Uncertain significance (1 of 4 stars; one submission).

Submission:

GeneDx
Classification: Uncertain significance. Last evaluated: 2025-06-04. Review status: criteria provided, single submitter. Criteria: GeneDx Variant Classification Process June 2021. Collection method: clinical testing. Allele origin: germline.
Comment: Not observed at significant frequency in large population cohorts (gnomAD); In silico analysis supports that this missense variant has a deleterious effect on protein structure/function; Has not been previously published as pathogenic or benign to our knowledge